The following is an entry in ClinVar:

ClinVar aggregate classification (germline): Uncertain significance (1 of 4 stars; one submission).

Conditions:
Hereditary cancer-predisposing syndrome. Also called: Tumor predisposition; Neoplastic Syndromes, Hereditary; Hereditary neoplastic syndrome; Hereditary Cancer Syndrome. Identifiers: Orphanet 140162, MedGen C0027672, MeSH D009386, MONDO:0015356.

Submission:

Ambry Genetics
Classification: Uncertain significance for Hereditary cancer-predisposing syndrome. Last evaluated: 2024-11-22. Review status: criteria provided, single submitter. Criteria: Ambry Variant Classification Scheme 2023. Collection method: clinical testing. Allele origin: germline.
Comment: The p.S127F variant (also known as c.380C>T), located in coding exon 3 of the SMARCA4 gene, results from a C to T substitution at nucleotide position 380. The serine at codon 127 is replaced by phenylalanine, an amino acid with highly dissimilar properties. This amino acid position is well conserved in available vertebrate species. In addition, the in silico prediction for this alteration is inconclusive. Based on the available evidence, the clinical significance of this variant remains unclear.

NM_003072.5(SMARCA4):c.380C>T (p.Ser127Phe)

Gene: SMARCA4 (SWI/SNF related BAF chromatin remodeling complex subunit ATPase 4; plus strand). Cytogenetic location: 19p13.2.
Variant type: single nucleotide variant.
Coding change: c.380C>T on transcript NM_003072.5 (MANE Select); coding-DNA position 380, C replaced by T.
Protein change: p.Ser127Phe; replaces serine 127 with phenylalanine.
Molecular consequence: missense variant. On other transcripts: non-coding transcript variant (1).
Genome position (GRCh38, 1-based): chr19:10,986,213, C>T. VCF-style: chr19-10986213-C-T. GRCh37 (hg19) VCF-style: chr19-11096889-C-T.
Other names: c.380C>T, p.Ser127Phe (NM_001128844.3, NM_001128845.2, NM_001128846.2 and 6 more transcripts); short protein forms S127F.
Identifiers: ClinVar variation 3445962 (VCV003445962.1).
Genomic context (GRCh38, chr19:10,986,213, plus strand): 5'-CTGCCGAGTGACCAGTGGGCTGACCTTTCTCTGCAGGTTACCCCTCGCCCCTGGGTGGCT[C>T]TGAGCATGCCTCTAGTCCAGTTCCAGCCAGTGGCCCGTCTTCGGGGCCCCAGATGTCTTC-3'
Protein context (NP_003063.2, residues 117-137): SQGYPSPLGG[Ser127Phe]EHASSPVPAS